The following is an entry in ClinVar:

NM_001291303.3(FAT4):c.458A>G (p.Gln153Arg)

Gene: FAT4 (FAT atypical cadherin 4; plus strand). Cytogenetic location: 4q28.1.
Variant type: single nucleotide variant.
Coding change: c.458A>G on transcript NM_001291303.3 (MANE Select); coding-DNA position 458, A replaced by G.
Protein change: p.Gln153Arg; replaces glutamine 153 with arginine.
Molecular consequence: missense variant.
Genome position (GRCh38, 1-based): chr4:125,316,869, A>G. VCF-style: chr4-125316869-A-G. GRCh37 (hg19) VCF-style: chr4-126238024-A-G.
Other names: c.458A>G, p.Gln153Arg (NM_001291285.3, NM_024582.6); c.458A>G (NM_024582.4); short protein forms Q153R.
Identifiers: ClinVar variation 1434615 (VCV001434615.7), dbSNP rs745934649, ClinGen allele CA3071812.

ClinVar aggregate classification (germline): Uncertain significance. Review status: criteria provided, multiple submitters, no conflicts (2 of 4 stars). 3 submissions from 3 submitters: Uncertain significance (3). Last evaluated 2023-01-17.

Conditions:
Inborn genetic diseases. Identifiers: MedGen C0950123, MeSH D030342.

Allele frequency attached by ClinVar (database versions not stated): ExAC 0.00002; gnomAD exomes 0.00002; gnomAD 0.00003; TOPMed 0.00003.
gnomAD v4.1: 68 of 1,613,880 alleles (0.0042%); highest among the groups gnomAD compares: Non-Finnish European, 0.0054%; no homozygotes.

Submissions (3):

Blueprint Genetics
Classification: Uncertain significance. Last evaluated: 2023-01-17. Review status: criteria provided, single submitter. Criteria: ACMG Guidelines, 2015. Collection method: clinical testing. Allele origin: germline.

Ambry Genetics
Classification: Uncertain significance for Inborn genetic diseases. Last evaluated: 2022-07-20. Review status: criteria provided, single submitter. Criteria: Ambry Variant Classification Scheme 2023. Collection method: clinical testing. Allele origin: germline.

Labcorp Genetics (formerly Invitae), Labcorp
Classification: Uncertain significance. Last evaluated: 2022-07-17. Review status: criteria provided, single submitter. Criteria: Invitae Variant Classification Sherloc (09022015). Collection method: clinical testing. Allele origin: germline.
Comment: This sequence change replaces glutamine, which is neutral and polar, with arginine, which is basic and polar, at codon 153 of the FAT4 protein (p.Gln153Arg). This variant is present in population databases (rs745934649, gnomAD 0.006%). This variant has not been reported in the literature in individuals affected with FAT4-related conditions. ClinVar contains an entry for this variant (Variation ID: 1434615). Advanced modeling of protein sequence and biophysical properties (such as structural, functional, and spatial information, amino acid conservation, physicochemical variation, residue mobility, and thermodynamic stability) performed at Invitae indicates that this missense variant is not expected to disrupt FAT4 protein function. In summary, the available evidence is currently insufficient to determine the role of this variant in disease. Therefore, it has been classified as a Variant of Uncertain Significance.